The following is an entry in ClinVar:

NM_000138.5(FBN1):c.6064G>A (p.Glu2022Lys)

Gene: FBN1 (fibrillin 1; minus strand). Cytogenetic location: 15q21.1.
Variant type: single nucleotide variant.
Coding change: c.6064G>A on transcript NM_000138.5 (MANE Select); coding-DNA position 6064, G replaced by A.
Protein change: p.Glu2022Lys; replaces glutamic acid 2022 with lysine.
Molecular consequence: missense variant.
Genome position (GRCh38, 1-based): chr15:48,441,820, C>T on the plus strand (G>A on the coding strand, the complement: FBN1 is on the minus strand). VCF-style: chr15-48441820-C-T. GRCh37 (hg19) VCF-style: chr15-48734017-C-T.
Other names: c.6064G>A, p.Glu2022Lys (NM_001406716.1); short protein forms E2022K.
Identifiers: ClinVar variation 3894173 (VCV003894173.1).

ClinVar aggregate classification (germline): Uncertain significance (1 of 4 stars; one submission).

Conditions:
Familial thoracic aortic aneurysm and aortic dissection (TAAD). Also called: Thoracic aortic aneurysms and dissections. Identifiers: Orphanet 91387, MedGen C4707243, MONDO:0019625.

gnomAD v4.1: 5 of 1,613,626 alleles (0.00031%); no homozygotes.

Submission:

Color Diagnostics, LLC DBA Color Health
Classification: Uncertain significance for Familial thoracic aortic aneurysm and aortic dissection. Last evaluated: 2025-01-06. Review status: criteria provided, single submitter. Criteria: ACMG Guidelines, 2015. Collection method: clinical testing. Allele origin: germline.
Comment: This missense variant replaces glutamic acid with lysine at codon 2022 of the FBN1 protein. Computational prediction suggests that this variant may not impact protein structure and function (internally defined REVEL score threshold <= 0.5, PMID: 27666373). To our knowledge, functional studies have not been reported for this variant. This variant has not been reported in individuals affected with FBN1-related disorders in the literature. This variant has not been identified in the general population by the Genome Aggregation Database (gnomAD). The available evidence is insufficient to determine the role of this variant in disease conclusively. Therefore, this variant is classified as a Variant of Uncertain Significance.